The following is an entry in ClinVar:

NM_000548.5(TSC2):c.1258-96_1362del

Gene: TSC2 (TSC complex subunit 2; plus strand). Cytogenetic location: 16p13.3.
Variant type: Deletion.
Coding change: c.1258-96_1362del on transcript NM_000548.5 (MANE Select); 96 bases into the intron before coding-DNA position 1258 through coding-DNA position 1362, 572 bases deleted.
Molecular consequence: splice acceptor variant, splice donor variant.
Genome position (GRCh38, 1-based): chr16:2,062,401-2,062,972, 572 bases deleted. GRCh37 (hg19): chr16:2,112,402-2,112,973.
Other names: c.1258-96_1362del (NM_001114382.3, NM_021055.3, NM_001370405.1 and 3 more transcripts); c.1147-96_1251del (NM_001318827.2); c.658-96_762del (NM_001318831.2); c.1111-96_1215del (NM_001318829.2); c.1291-96_1395del (NM_001318832.2).
Identifiers: ClinVar variation 1453464 (VCV001453464.6), dbSNP rs2151161634, ClinGen allele CA2573151593.

ClinVar aggregate classification (germline): Pathogenic (1 of 4 stars; one submission).

Conditions:
Tuberous sclerosis 2 (TSC2). Identifiers: Orphanet 805, MedGen C1860707, MONDO:0013199, OMIM 613254.

Submission:

Labcorp Genetics (formerly Invitae), Labcorp
Classification: Pathogenic for Tuberous sclerosis 2. Last evaluated: 2021-10-26. Review status: criteria provided, single submitter. Criteria: Invitae Variant Classification Sherloc (09022015). Collection method: clinical testing. Allele origin: germline.
Comment: For these reasons, this variant has been classified as Pathogenic. This variant disrupts a region of the TSC2 protein in which other variant(s) (p.Ser428del) have been determined to be pathogenic (PMID: 17304050, 21520333, 22867869). This suggests that this is a clinically significant region of the protein, and that variants that disrupt it are likely to be disease-causing. This variant results in the deletion of exon 13 and part of exon 14 (c.1258-96_1362del) of the TSC2 gene. It is expected to disrupt RNA splicing. Variants that disrupt the donor or acceptor splice site typically lead to a loss of protein function (PMID: 16199547), and loss-of-function variants in TSC2 are known to be pathogenic (PMID: 10205261, 17304050). This variant is not present in population databases (gnomAD no frequency). This variant has not been reported in the literature in individuals affected with TSC2-related conditions.

Literature cited by the submitters: PubMed 17304050; PubMed 21520333; PubMed 22867869; PubMed 16199547; PubMed 10205261.